The following is an entry in ClinVar:

NM_001148.6(ANK2):c.7583T>A (p.Met2528Lys)

Genes: ANK2 (ankyrin 2; plus strand), LOC126807137 (CDK7 strongly-dependent group 2 enhancer GRCh37_chr4:114276560-114277759; plus strand). Cytogenetic location: 4q26.
Variant type: single nucleotide variant.
Coding change: c.7583T>A on transcript NM_001148.6 (MANE Select); coding-DNA position 7583, T replaced by A.
Protein change: p.Met2528Lys; replaces methionine 2528 with lysine.
Molecular consequence: missense variant. On other transcripts: intron variant (68).
Genome position (GRCh38, 1-based): chr4:113,356,201, T>A. VCF-style: chr4-113356201-T-A. GRCh37 (hg19) VCF-style: chr4-114277357-T-A.
Other names: c.7349T>A, p.Met2450Lys (NM_001386142.1); c.3983T>A, p.Met1328Lys (NM_001386166.1); c.7724T>A, p.Met2575Lys (NM_001386174.1); c.7700T>A, p.Met2567Lys (NM_001386175.1); c.4412-4622T>A (NM_001386186.2, NM_001386148.2); c.4214-4622T>A (NM_001354269.3); c.4292-4622T>A (NM_001386187.2); c.4253-4622T>A (NM_001386147.1); and 35 more; short protein forms M1328K, M2528K, M2450K, M2567K, M2575K.
Identifiers: ClinVar variation 4714463 (VCV004714463.1).

ClinVar aggregate classification (germline): Uncertain significance (1 of 4 stars; one submission).

Conditions:
Long QT syndrome (LQTS). Identifiers: MedGen C0023976, MeSH D008133, MONDO:0002442. Disease mechanism: loss of function. Inheritance: Various modes of inheritance.

Submission:

Labcorp Genetics (formerly Invitae), Labcorp
Classification: Uncertain significance for Long QT syndrome. Last evaluated: 2025-03-05. Review status: criteria provided, single submitter. Criteria: Invitae Variant Classification Sherloc (09022015). Collection method: clinical testing. Allele origin: germline.
Comment: This sequence change replaces methionine, which is neutral and non-polar, with lysine, which is basic and polar, at codon 2528 of the ANK2 protein (p.Met2528Lys). This variant is not present in population databases (gnomAD no frequency). This variant has not been reported in the literature in individuals affected with ANK2-related conditions. An algorithm developed to predict the effect of missense changes on protein structure and function (PolyPhen-2) suggests that this variant is likely to be disruptive. In summary, the available evidence is currently insufficient to determine the role of this variant in disease. Therefore, it has been classified as a Variant of Uncertain Significance.